The following is an entry in ClinVar:

ClinVar aggregate classification (germline): Pathogenic. Review status: reviewed by expert panel (3 of 4 stars). 13 submissions from 13 submitters: Pathogenic (1). 12 of the submissions do not count toward it. Last evaluated 2018-08-31.

Conditions:
Cystic fibrosis diagnostic test.
CFTR-related disorder (CFTR-RD). Also called: CFTR-related condition; CFTR-related disorders. Identifiers: MedGen C5924204, MONDO:7770004.
Bronchiectasis with or without elevated sweat chloride 1 (BESC1). Also called: Cystic Fibrosis-Like Syndrome. Identifiers: Orphanet 60033, MedGen C2749757, MONDO:0008887, OMIM 211400.
Congenital bilateral aplasia of vas deferens from CFTR mutation (CBAVD). Identifiers: Orphanet 48, MedGen C0403814, MONDO:0010178, OMIM 277180. Disease mechanism: loss of function.
Hereditary pancreatitis (PCTT). Also called: PRSS1-Related Hereditary Pancreatitis; Hereditary chronic pancreatitis. Identifiers: Orphanet 676, MedGen C0238339, MONDO:0008185, OMIM 167800.
Cystic fibrosis (CF). Also called: MUCOVISCIDOSIS. Identifiers: Orphanet 586, MedGen C0010674, MONDO:0009061, OMIM 219700. Disease mechanism: loss of function.

Allele frequency attached by ClinVar (database versions not stated): gnomAD exomes below 0.00001; gnomAD 0.00001; TOPMed 0.00001.
gnomAD v4.1: 2 of 1,583,114 alleles (0.00013%); highest among the groups gnomAD compares: Admixed American, 0.0017%; no homozygotes.

Submissions 1 to 10 of 13:

CFTR2
Classification: Pathogenic for Cystic fibrosis. Last evaluated: 2018-08-31. Review status: reviewed by expert panel. Criteria: Sosnay PR et al. (Nat Genet 2013). Collection method: research. Allele origin: germline. Affected: yes.

Labcorp Genetics (formerly Invitae), Labcorp
Classification: Pathogenic for Cystic fibrosis. Last evaluated: 2025-12-23. Review status: criteria provided, single submitter. Criteria: Invitae Variant Classification Sherloc (09022015). Collection method: clinical testing. Allele origin: germline. Not counted in ClinVar's aggregate classification.
Comment: This sequence change replaces leucine, which is neutral and non-polar, with serine, which is neutral and polar, at codon 558 of the CFTR protein (p.Leu558Ser). This variant is present in population databases (rs193922504, gnomAD 0.003%). This missense change has been observed in individual(s) with congenital bilateral absence of vas deferens and/or cystic fibrosis (PMID: 7525450, 9401110, 9439669, 10798368, 15638824, 22483971, 25910067). In at least one individual the data is consistent with being in trans (on the opposite chromosome) from a pathogenic variant. ClinVar contains an entry for this variant (Variation ID: 35829). Invitae Evidence Modeling of protein sequence and biophysical properties (such as structural, functional, and spatial information, amino acid conservation, physicochemical variation, residue mobility, and thermodynamic stability) indicates that this missense variant is expected to disrupt CFTR protein function with a positive predictive value of 80%. Experimental studies are conflicting or provide insufficient evidence to determine the effect of this variant on CFTR function (PMID: 23974870). For these reasons, this variant has been classified as Pathogenic.

NHS Central & South Genomic Laboratory Hub
Classification: Pathogenic for Cystic fibrosis diagnostic test. Last evaluated: 2025-10-21. Review status: criteria provided, single submitter. Criteria: ACMG Guidelines, 2015. Collection method: clinical testing. Allele origin: germline. Affected: yes. Not counted in ClinVar's aggregate classification.

Natera, Inc.
Classification: Pathogenic for CFTR-related disorders. Last evaluated: 2025-08-09. Review status: criteria provided, single submitter. Criteria: Natera Variant Classification Schema (03/2026). Collection method: clinical testing. Allele origin: germline. Not counted in ClinVar's aggregate classification.
Comment: The c.1673T>C variant in CFTR is a missense variant predicted to cause substitution of leucine to serine at amino acid 558. This variant is rare in the general population with a frequency below the threshold expected for the associated phenotype(s). This variant has been observed in one or more individuals affected with the associated recessive disease, as either homozygous or compound heterozygous with a second variant (PMID: 25910067). Computational prediction algorithms indicate this variant is likely to affect gene or protein function. Given the available evidence, this variant is classified as Pathogenic.

PreventionGenetics, part of Exact Sciences
Classification: Pathogenic for CFTR-related condition. Last evaluated: 2024-12-31. Review status: criteria provided, single submitter. Criteria: ACMG Guidelines, 2015. Collection method: clinical testing. Allele origin: germline. Not counted in ClinVar's aggregate classification.
Comment: The CFTR c.1673T>C variant is predicted to result in the amino acid substitution p.Leu558Ser. This variant was reported in large cohorts of individuals with cystic fibrosis (see, for example, Dork et al. 1994. PubMed ID: 7525450; Plouvier et al. 1997. PubMed ID: 9401110; Casals et al. 1997. PubMed ID: 9439669; Orozco et al. 2000. PubMed ID: 10798368; Tsui et al. 1992. PubMed ID: 1284534; Castellani et al. 2008. PubMed ID: 18456578; supplementary data, Sosnay et al. 2013. PubMed ID: 23974870; supplementary data, Raraigh et al. 2021. PubMed ID: 34782259; De Paolis et al. 2023. PubMed ID: 37628659). This variant has also been described in cohorts of individuals with congenital bilateral absence of the vas deferens (see, for example, Li et al. 2012. PubMed ID: 22483971). In vitro functional studies suggest that this variant impairs CFTR activity (Raraigh et al. 2018. PubMed ID: 29805046). This variant is reported in 0.0029% of alleles in individuals of Latino descent in gnomAD. This variant is interpreted as pathogenic.

Fulgent Genetics
Classification: Likely pathogenic for Hereditary pancreatitis; Bronchiectasis with or without elevated sweat chloride 1; Cystic fibrosis; Congenital bilateral aplasia of vas deferens from CFTR mutation. Last evaluated: 2024-05-08. Review status: criteria provided, single submitter. Criteria: ACMG Guidelines, 2015. Collection method: clinical testing. Allele origin: germline. Not counted in ClinVar's aggregate classification.

Baylor Genetics
Classification: Pathogenic for Bronchiectasis with or without elevated sweat chloride 1. Last evaluated: 2023-02-18. Review status: criteria provided, single submitter. Criteria: ACMG Guidelines, 2015. Collection method: clinical testing. Allele origin: unknown. Not counted in ClinVar's aggregate classification.

Women's Health and Genetics/Laboratory Corporation of America, LabCorp
Classification: Pathogenic for Cystic fibrosis. Last evaluated: 2022-10-21. Review status: criteria provided, single submitter. Criteria: LabCorp Variant Classification Summary - May 2015. Collection method: clinical testing. Allele origin: germline. Not counted in ClinVar's aggregate classification.
Comment: Variant summary: CFTR c.1673T>C (p.Leu558Ser) results in a non-conservative amino acid change located in the ABC transporter-like, ATP-binding domain (IPR003439) and AAA+ ATPase domain of the encoded protein sequence. Five of five in-silico tools predict a damaging effect of the variant on protein function. The variant allele was found at a frequency of 4e-06 in 251088 control chromosomes. c.1673T>C has been reported in the literature as a biallelic genotype in multiple individuals affected with Cystic Fibrosis (example, Kuwertz-Broking_1995, Dell Edera_2014, Dugueperoux_2005, Sosnay_2013, Kammesheidt_2006, Lucarelli_2013, Sanchez_2016). These data indicate that the variant is very likely to be associated with disease. At least one publication reports experimental evidence evaluating an impact on protein function. The most pronounced variant effect results in a significant reduction in CFTR maturation, though chloride conduction study was not performed (Sosnay_2013). Multiple clinical diagnostic laboratories, the CFTR-2 database and the CFTR-France database have submitted clinical-significance assessments for this variant to ClinVar after 2014 without evidence for independent evaluation. All submitters classified the variant as pathogenic/likely pathogenic. Based on the evidence outlined above, the variant was classified as pathogenic.

Johns Hopkins Genomics, Johns Hopkins University
Classification: Pathogenic for Cystic fibrosis. Last evaluated: 2021-09-07. Review status: criteria provided, single submitter. Criteria: ACMG Guidelines, 2015. Collection method: clinical testing. Allele origin: germline. Not counted in ClinVar's aggregate classification.
Comment: Disease-causing CFTR variant. See CFTR2 for phenotype information.

Ambry Genetics
Classification: Pathogenic for Cystic fibrosis. Last evaluated: 2019-10-03. Review status: criteria provided, single submitter. Criteria: Ambry Variant Classification Scheme 2023. Collection method: clinical testing. Allele origin: germline. Not counted in ClinVar's aggregate classification.
Comment: The p.L558S pathogenic mutation (also known as c.1673T>C and 1805T>C), located in coding exon 12 of the CFTR gene, results from a T to C substitution at nucleotide position 1673. The leucine at codon 558 is replaced by serine, an amino acid with dissimilar properties. This mutation has been reported in cystic fibrosis patients from Mexico, France, Italy, Spain, Latin America, and the Czech Republic (Orozco L, Hum. Genet. 2000 Mar; 106(3):360-5; Dugu&eacute;p&eacute;roux I, Eur. Respir. J. 2005 Mar; 25(3):468-73; Castaldo G, Ann. Hum. Genet. 2005 Jan; 69(Pt 1):15-24; Alonso MJ, Ann. Hum. Genet. 2007 Mar; 71(Pt 2):194-201; P&eacute;rez MM, J. Cyst. Fibros. 2007 May; 6(3):194-208; Kenkov&aacute; P, J. Cyst. Fibros. 2013 Sep; 12(5):532-7). In one study, functional assays demonstrated significantly reduced CFTR activity equal to 1.2% of wild-type levels (Raraigh KS et al. Am. J. Hum. Genet., 2018 06;102:1062-1077). Based on the available evidence, p.L558S is classified as a pathogenic mutation.

NM_000492.4(CFTR):c.1673T>C (p.Leu558Ser)

Genes: CFTR (CF transmembrane conductance regulator; plus strand), LOC111674475 (CFTR intron 11 enhancer; plus strand). Cytogenetic location: 7q31.2.
Variant type: single nucleotide variant.
Coding change: c.1673T>C on transcript NM_000492.4 (MANE Select); coding-DNA position 1673, T replaced by C.
Protein change: p.Leu558Ser; replaces leucine 558 with serine.
Molecular consequence: missense variant.
Genome position (GRCh38, 1-based): chr7:117,587,827, T>C. VCF-style: chr7-117587827-T-C. GRCh37 (hg19) VCF-style: chr7-117227881-T-C.
Other names: short protein forms L558S.
Identifiers: ClinVar variation 35829 (VCV000035829.28), dbSNP rs193922504, ClinGen allele CA325694.